The following is an entry in ClinVar:

NM_000059.4(BRCA2):c.9257-6988C>T

Gene: BRCA2 (BRCA2 DNA repair associated; plus strand). Cytogenetic location: 13q13.1.
Variant type: single nucleotide variant.
Coding change: c.9257-6988C>T on transcript NM_000059.4 (MANE Select); 6988 bases into the intron before coding-DNA position 9257, C replaced by T.
Molecular consequence: intron variant.
Genome position (GRCh38, 1-based): chr13:32,387,701, C>T. VCF-style: chr13-32387701-C-T. GRCh37 (hg19) VCF-style: chr13-32961838-C-T.
Other names: c.9257-6988C>T (NM_001432077.1); c.9206-6988C>T (NM_001406720.1); c.9161-6988C>T (NM_001406719.1); c.4325-6988C>T (NM_001406721.1); c.2840-6988C>T (NM_001406722.1).
Identifiers: ClinVar variation 4852748 (VCV004852748.2).
Genomic context (GRCh38, chr13:32,387,701, plus strand): 5'-GCTGTGCTTCAGTGGTCACACTCCTTGTCCACTTTTATGCTTCTCCCGTACTCTTGGTTC[C>T]TCTTTGAAGTTCGTAGTAGATAGCGGTAGAAGGAATAGTGAAAGTCTTGAAGTCTTTGAT-3'

ClinVar aggregate classification (germline): Likely benign (1 of 4 stars; one submission).

Conditions:
Breast-ovarian cancer, familial, susceptibility to, 2 (BROVCA2). Also called: BRCA2 Hereditary Breast and Ovarian Cancer. Identifiers: Orphanet 145, MedGen C2675520, MONDO:0012933, OMIM 612555. Disease mechanism: loss of function.

Submission:

Dasa
Classification: Likely benign for Breast-ovarian cancer, familial, susceptibility to, 2. Last evaluated: 2025-11-04. Review status: criteria provided, single submitter. Criteria: DASA Assertion Criteria. Collection method: clinical testing. Allele origin: germline.
Comment: NM_000059.4(BRCA2):c.9257-6988C>T is an intronic variant. Population frequency is inconsistent with a disease-causing role for this variant, and the variant context is inconsistent with a known disease-causing mechanism. Computational prediction algorithms are consistent with a benign effect. Therefore, based on the currently available evidence, this variant is classified as likely benign.